The following is an entry in ClinVar:

NM_021072.4(HCN1):c.329C>T (p.Ser110Phe)

Gene: HCN1 (hyperpolarization activated cyclic nucleotide gated potassium channel 1; minus strand). Cytogenetic location: 5p12.
Variant type: single nucleotide variant.
Coding change: c.329C>T on transcript NM_021072.4 (MANE Select); coding-DNA position 329, C replaced by T.
Protein change: p.Ser110Phe; replaces serine 110 with phenylalanine.
Molecular consequence: missense variant.
Genome position (GRCh38, 1-based): chr5:45,695,765, G>A on the plus strand (C>T on the coding strand, the complement: HCN1 is on the minus strand). VCF-style: chr5-45695765-G-A. GRCh37 (hg19) VCF-style: chr5-45695867-G-A.
Other names: short protein forms S110F.
Identifiers: ClinVar variation 5038171 (VCV005038171.1).

ClinVar aggregate classification (germline): Uncertain significance (1 of 4 stars; one submission).

Conditions:
Developmental and epileptic encephalopathy, 24 (DEE24). Also called: Epileptic encephalopathy, early infantile, 24. Identifiers: Orphanet 442835, MedGen C4014531, MONDO:0014377, OMIM 615871.

Submission:

MVZ Medizinische Genetik Mainz
Classification: Uncertain significance for Developmental and epileptic encephalopathy, 24. Last evaluated: 2026-10-05. Review status: criteria provided, single submitter. Criteria: UK Practice Guidelines For Variant Classification V4 01 2020. Collection method: clinical testing. Allele origin: germline. Inheritance: Autosomal dominant inheritance. Affected: yes. Observed: 1 variant allele.
Comment: ACMG Criteria: PP3_MOD,PM2_SUP,PP2